The following is an entry in ClinVar:

NM_006420.3(ARFGEF2):c.2534-210C>A

Gene: ARFGEF2 (ARF guanine nucleotide exchange factor 2; plus strand). Cytogenetic location: 20q13.13.
Variant type: single nucleotide variant.
Coding change: c.2534-210C>A on transcript NM_006420.3 (MANE Select); 210 bases into the intron before coding-DNA position 2534, C replaced by A.
Molecular consequence: intron variant.
Genome position (GRCh38, 1-based): chr20:48,989,075, C>A. VCF-style: chr20-48989075-C-A. GRCh37 (hg19) VCF-style: chr20-47605612-C-A.
Identifiers: ClinVar variation 670944 (VCV000670944.1), dbSNP rs11086274, ClinGen allele CA16584415.

ClinVar aggregate classification (germline): Benign (1 of 4 stars; one submission).

Allele frequency attached by ClinVar (database versions not stated): TOPMed 0.33337; 1000 Genomes Project 30x 0.37242; 1000 Genomes Project 0.37061.

Submission:

GeneDx
Classification: Benign. Last evaluated: 2018-06-14. Review status: criteria provided, single submitter. Criteria: GeneDx Variant Classification (06012015). Collection method: clinical testing. Allele origin: germline. Affected: yes.
Comment: This variant is considered likely benign or benign based on one or more of the following criteria: it is a conservative change, it occurs at a poorly conserved position in the protein, it is predicted to be benign by multiple in silico algorithms, and/or has population frequency not consistent with disease.